The following is an entry in ClinVar:

ClinVar aggregate classification (germline): Pathogenic. Review status: criteria provided, multiple submitters, no conflicts (2 of 4 stars). 6 submissions from 6 submitters: Pathogenic (6). Last evaluated 2025-03-17.

Conditions:
BEST1-related disorder. Also called: BEST1-related condition; BEST1-related disorders. Identifiers: MedGen CN239200.
Autosomal recessive bestrophinopathy. Also called: Autosomal Recessive Bestrophinopathy (ARB). Identifiers: Orphanet 139455, MedGen C3888198, MONDO:0012733, OMIM 611809.

Allele frequency attached by ClinVar (database versions not stated): gnomAD 0.00002; TOPMed 0.00002.
gnomAD v4.1: 9 of 1,614,022 alleles (0.00056%); highest among the groups gnomAD compares: Non-Finnish European, 0.00068%; no homozygotes.

Submissions (6):

Labcorp Genetics (formerly Invitae), Labcorp
Classification: Pathogenic. Last evaluated: 2025-03-17. Review status: criteria provided, single submitter. Criteria: Invitae Variant Classification Sherloc (09022015). Collection method: clinical testing. Allele origin: germline.
Comment: This sequence change affects a donor splice site in intron 5 of the BEST1 gene. It is expected to disrupt RNA splicing. Variants that disrupt the donor or acceptor splice site typically lead to a loss of protein function (PMID: 16199547), and loss-of-function variants in BEST1 are known to be pathogenic (PMID: 21825197). This variant is not present in population databases (gnomAD no frequency). Disruption of this splice site has been observed in individuals with autosomal recessive bestrophinopathy (PMID: 10854112, 24859690, 29555955). ClinVar contains an entry for this variant (Variation ID: 265463). Algorithms developed to predict the effect of sequence changes on RNA splicing suggest that this variant may disrupt the consensus splice site. For these reasons, this variant has been classified as Pathogenic.

3billion
Classification: Pathogenic for Autosomal recessive bestrophinopathy. Last evaluated: 2024-06-24. Review status: criteria provided, single submitter. Criteria: ACMG Guidelines, 2015. Collection method: clinical testing. Allele origin: germline. Affected: yes.
Comment: The variant is observed at an extremely low frequency in the gnomAD v4.0.0 dataset (total allele frequency: <0.001%). Predicted Consequence/Location: Canonical splice site: predicted to alter splicing and result in a loss or disruption of normal protein function. Multiple pathogenic loss-of-function variants are reported downstream of the variant. In silico tools predict the variant to alter splicing and produce an abnormal transcript [SpliceAI: 0.93 (spliceogenicity >=0.2, non-spliceogenicity <0.1)]. The variant has been reported at least twice as pathogenic with clinical assertions and evidence for the classification (ClinVar ID: VCV000265463 /PMID: 24859690). Therefore, this variant is classified as Pathogenic according to the recommendation of ACMG/AMP guideline.

Revvity Omics, Revvity
Classification: Pathogenic. Last evaluated: 2021-09-29. Review status: criteria provided, single submitter. Criteria: ACMG Guidelines, 2015. Collection method: clinical testing. Allele origin: germline.

Blueprint Genetics
Classification: Pathogenic for BEST1-related disorders. Last evaluated: 2021-09-13. Review status: criteria provided, single submitter. Criteria: ACMG Guidelines, 2015. Collection method: clinical testing. Allele origin: germline. Affected: yes. Observed: 1 variant allele.

GeneDx
Classification: Pathogenic. Last evaluated: 2016-05-26. Review status: criteria provided, single submitter. Criteria: GeneDx Variant Classification (06012015). Collection method: clinical testing. Allele origin: germline. Affected: yes.
Comment: The c.636+1G>A variant in the BEST1 gene has been reported previously in the homozygous state in an individual with autosomal recessive bestrophinopathy. Family members of this individual were found to carry one copy of the c.636+1G>A variant and had no clinical or electrophysiological evidence of disease (Crowley et al., 2014). This splice site variant destroys the canonical splice donor site in intron 5. It is predicted to cause abnormal gene splicing, either leading to an abnormal message that is subject to nonsense-mediated mRNA decay, or to an abnormal protein product if the message is used for protein translation. The c.636+1G>A variant was not observed in approximately 6500 individuals of European and African American ancestry in the NHLBI Exome Sequencing Project, indicating it is not a common benign variant in these populations. We interpret c.636+1G>A as a pathogenic variant.

Juno Genomics, Hangzhou Juno Genomics, Inc
Classification: Pathogenic for Autosomal recessive bestrophinopathy. Review status: criteria provided, single submitter. Criteria: ACMG Guidelines, 2015. Collection method: clinical testing. Allele origin: germline. Affected: yes.
Comment: Absent from controls (or at extremely low frequency if recessive) in Genome Aggregation Database, Exome Sequencing Project, 1000 Genomes Project, or Exome Aggregation Consortium.;Null variant in a gene where loss of function (LOF) is a known mechanism of disease.;For recessive disorders, detected in trans with a pathogenic variant.;Patient's phenotype or family history is highly specific for a disease with a single genetic etiology.

Literature cited by the submitters: PubMed 16199547 (cited by Labcorp Genetics (formerly Invitae), Labcorp); PubMed 21825197 (cited by Labcorp Genetics (formerly Invitae), Labcorp); PubMed 10854112 (cited by Labcorp Genetics (formerly Invitae), Labcorp); PubMed 24859690 (cited by Labcorp Genetics (formerly Invitae), Labcorp and 3billion); PubMed 29555955 (cited by Labcorp Genetics (formerly Invitae), Labcorp).

NM_004183.4(BEST1):c.636+1G>A

Gene: BEST1 (bestrophin 1; plus strand). Cytogenetic location: 11q12.3.
Variant type: single nucleotide variant.
Coding change: c.636+1G>A on transcript NM_004183.4 (MANE Select); the canonical splice donor site of the intron after coding-DNA position 636, G replaced by A.
Molecular consequence: splice donor variant.
Genome position (GRCh38, 1-based): chr11:61,956,999, G>A. VCF-style: chr11-61956999-G-A. GRCh37 (hg19) VCF-style: chr11-61724471-G-A.
Other names: c.636+1G>A (NM_001363592.2, NM_001440571.1, NM_001440572.1 and 1 more transcripts); c.456+1G>A (NM_001139443.3, NM_001300787.2, NM_001440574.1 and 3 more transcripts); c.-540+1G>A (NM_001363593.3); c.318+1G>A (NM_001363591.3).
Identifiers: ClinVar variation 265463 (VCV000265463.15), dbSNP rs62637337, ClinGen allele CA10588523.